The following is an entry in ClinVar:

NM_000384.3(APOB):c.9698A>T (p.Tyr3233Phe)

Gene: APOB (apolipoprotein B; minus strand). Cytogenetic location: 2p24.1.
Variant type: single nucleotide variant.
Coding change: c.9698A>T on transcript NM_000384.3 (MANE Select); coding-DNA position 9698, A replaced by T.
Protein change: p.Tyr3233Phe; replaces tyrosine 3233 with phenylalanine.
Molecular consequence: missense variant.
Genome position (GRCh38, 1-based): chr2:21,007,170, T>A on the plus strand (A>T on the coding strand, the complement: APOB is on the minus strand). VCF-style: chr2-21007170-T-A. GRCh37 (hg19) VCF-style: chr2-21230042-T-A.
Other names: short protein forms Y3233F.
Identifiers: ClinVar variation 1767815 (VCV001767815.3), dbSNP rs753419406, ClinGen allele CA066774.

ClinVar aggregate classification (germline): Uncertain significance. Review status: criteria provided, multiple submitters, no conflicts (2 of 4 stars). 2 submissions from 2 submitters: Uncertain significance (2). Last evaluated 2023-03-02.

Conditions:
Cardiovascular phenotype. Identifiers: MedGen CN230736.

Allele frequency attached by ClinVar (database versions not stated): gnomAD 0.00001; ExAC 0.00002.
gnomAD v4.1: 7 of 1,613,854 alleles (0.00043%); highest among the groups gnomAD compares: Admixed American, 0.012%; no homozygotes.

Submissions (2):

Quest Diagnostics Nichols Institute San Juan Capistrano
Classification: Uncertain significance. Last evaluated: 2023-03-02. Review status: criteria provided, single submitter. Criteria: Quest Diagnostics criteria. Collection method: clinical testing. Allele origin: unknown.
Comment: To the best of our knowledge, the variant has not been reported in the published literature. The frequency of this variant in the general population, 0.000087 (3/34486 chromosomes), is uninformative in assessment of its pathogenicity. Analysis of this variant using bioinformatics tools for the prediction of the effect of amino acid changes on protein structure and function yielded conflicting predictions that this variant is benign or damaging. Based on the available information, we are unable to determine the clinical significance of this variant.

Ambry Genetics
Classification: Uncertain significance for Cardiovascular phenotype. Last evaluated: 2022-08-29. Review status: criteria provided, single submitter. Criteria: Ambry Variant Classification Scheme 2023. Collection method: clinical testing. Allele origin: germline.
Comment: The p.Y3233F variant (also known as c.9698A>T), located in coding exon 26 of the APOB gene, results from an A to T substitution at nucleotide position 9698. The tyrosine at codon 3233 is replaced by phenylalanine, an amino acid with highly similar properties. This amino acid position is conserved. In addition, this alteration is predicted to be tolerated by in silico analysis. Since supporting evidence is limited at this time, the clinical significance of this alteration remains unclear.